The following is an entry in ClinVar:

ClinVar aggregate classification (germline): Uncertain significance (1 of 4 stars; one submission).

gnomAD v4.1: 1 of 1,614,126 alleles (0.000062%); highest among the groups gnomAD compares: African/African-American, 0.0013%; no homozygotes.

Submission:

CeGaT Center for Human Genetics Tuebingen
Classification: Uncertain significance. Last evaluated: 2025-11-01. Review status: criteria provided, single submitter. Criteria: CeGaT Center For Human Genetics Tuebingen Variant Classification Criteria Version 2. Collection method: clinical testing. Allele origin: germline. Affected: yes. Observed: 1 variant allele.
Comment: KDM5B: PM2, PP3

NM_006618.5(KDM5B):c.3538C>G (p.Leu1180Val)

Gene: KDM5B (lysine demethylase 5B; minus strand). Cytogenetic location: 1q32.1.
Variant type: single nucleotide variant.
Coding change: c.3538C>G on transcript NM_006618.5 (MANE Select); coding-DNA position 3538, C replaced by G.
Protein change: p.Leu1180Val; replaces leucine 1180 with valine.
Molecular consequence: missense variant.
Genome position (GRCh38, 1-based): chr1:202,733,772, G>C on the plus strand (C>G on the coding strand, the complement: KDM5B is on the minus strand). VCF-style: chr1-202733772-G-C. GRCh37 (hg19) VCF-style: chr1-202702900-G-C.
Other names: c.3646C>G, p.Leu1216Val (NM_001314042.2); c.3403C>G, p.Leu1135Val (NM_001347591.2); c.3523C>G, p.Leu1175Val (NM_001399817.1); short protein forms L1135V, L1175V, L1180V, L1216V.
Identifiers: ClinVar variation 4535427 (VCV004535427.6).